The following is an entry in ClinVar:

ClinVar aggregate classification (germline): Benign/Likely benign. Review status: criteria provided, multiple submitters, no conflicts (2 of 4 stars). 4 submissions from 4 submitters: Benign (3); Likely benign (1). Last evaluated 2025-09-15.

Conditions:
Hereditary hyperekplexia. Identifiers: Orphanet 3197, MedGen C4084968, MONDO:0021022.
Hyperekplexia 1 (STHE). Also called: HYPEREKPLEXIA 1, AUTOSOMAL DOMINANT; HYPEREKPLEXIA 1, AUTOSOMAL RECESSIVE; EXAGGERATED STARTLE REACTION; KOK DISEASE; STARTLE DISEASE, FAMILIAL; STIFF-BABY SYNDROME. Identifiers: Orphanet 3197, MedGen C4551954, MONDO:0007868, OMIM 149400.
Inborn genetic diseases. Identifiers: MedGen C0950123, MeSH D030342.

Allele frequency attached by ClinVar (database versions not stated): TOPMed 0.00030; ESP Exome Variant Server 0.00031; gnomAD 0.00031; ExAC 0.00045; gnomAD exomes 0.00055.
gnomAD v4.1: 445 of 1,613,982 alleles (0.028%); highest among the groups gnomAD compares: Middle Eastern, 0.016%; 1 homozygote.

Submissions (4):

Labcorp Genetics (formerly Invitae), Labcorp
Classification: Benign for Hereditary hyperekplexia. Last evaluated: 2025-09-15. Review status: criteria provided, single submitter. Criteria: Invitae Variant Classification Sherloc (09022015). Collection method: clinical testing. Allele origin: germline.

Ambry Genetics
Classification: Likely benign for Inborn genetic diseases. Last evaluated: 2021-11-24. Review status: criteria provided, single submitter. Criteria: Ambry Variant Classification Scheme 2023. Collection method: clinical testing. Allele origin: germline.

GeneDx
Classification: Benign. Last evaluated: 2020-10-16. Review status: criteria provided, single submitter. Criteria: GeneDx Variant Classification Process June 2021. Collection method: clinical testing. Allele origin: germline. Affected: yes.

Illumina Laboratory Services, Illumina
Classification: Benign for Hyperekplexia 1. Last evaluated: 2018-01-13. Review status: criteria provided, single submitter. Criteria: ICSL Variant Classification Criteria 13 December 2019. Collection method: clinical testing. Allele origin: germline.
Comment: This variant was observed in the ICSL laboratory as part of a predisposition screen in an ostensibly healthy population. It had not been previously curated by ICSL or reported in the Human Gene Mutation Database (HGMD: prior to June 1st, 2018), and was therefore a candidate for classification through an automated scoring system. Utilizing variant allele frequency, disease prevalence and penetrance estimates, and inheritance mode, an automated score was calculated to assess if this variant is too frequent to cause the disease. Based on the score and internal cut-off values, a variant classified as benign is not then subjected to further curation. The score for this variant resulted in a classification of benign for this disease.

NM_000171.4(GLRA1):c.1046G>A (p.Arg349Gln)

Gene: GLRA1 (glycine receptor alpha 1; minus strand). Cytogenetic location: 5q33.1.
Variant type: single nucleotide variant.
Coding change: c.1046G>A on transcript NM_000171.4 (MANE Select); coding-DNA position 1046, G replaced by A.
Protein change: p.Arg349Gln; replaces arginine 349 with glutamine.
Molecular consequence: missense variant.
Genome position (GRCh38, 1-based): chr5:151,828,934, C>T on the plus strand (G>A on the coding strand, the complement: GLRA1 is on the minus strand). VCF-style: chr5-151828934-C-T. GRCh37 (hg19) VCF-style: chr5-151208495-C-T.
Other names: c.1046G>A, p.Arg349Gln (NM_001146040.2); c.797G>A, p.Arg266Gln (NM_001292000.2); short protein forms R349Q, R266Q.
Identifiers: ClinVar variation 352309 (VCV000352309.18), dbSNP rs139213838, ClinGen allele CA3523548.